The following is an entry in ClinVar:

NC_000023.11:g.(?_31819965)_(31929755_?)del

Genes: DMD (dystrophin; minus strand), LOC129391296 (MPRA-validated peak7373 silencer; plus strand). Cytogenetic location: Xp21.1.
Variant type: Deletion.
Identifiers: ClinVar variation 656845 (VCV000656845.9).

ClinVar aggregate classification (germline): Pathogenic (1 of 4 stars; one submission).

Conditions:
Duchenne muscular dystrophy (DMD). Also called: MUSCULAR DYSTROPHY, PSEUDOHYPERTROPHIC PROGRESSIVE, DUCHENNE TYPE; Duchenne Muscular Dystrophy (DMD). Identifiers: Orphanet 98896, MedGen C0013264, MONDO:0010679, OMIM 310200.

Submission:

Labcorp Genetics (formerly Invitae), Labcorp
Classification: Pathogenic for Duchenne muscular dystrophy. Last evaluated: 2018-11-08. Review status: criteria provided, single submitter. Criteria: Invitae Variant Classification Sherloc (09022015). Collection method: clinical testing. Allele origin: germline.
Comment: For these reasons, this variant has been classified as Pathogenic. Loss-of-function variants in DMD are known to be pathogenic (PMID: 16770791, 25007885). This variant has been observed in several individuals and families affected with DMD-related dystrophinopathies (PMID: 23829870, 26081009, 1889805, 9007319). This variant is an out-of-frame deletion of the genomic region encompassing exons 47-50 of the DMD gene. This is expected to create a premature translational stop signal and result in an absent or disrupted protein product.

Literature cited by the submitters: PubMed 16770791; PubMed 25007885; PubMed 23829870; PubMed 26081009; PubMed 1889805; PubMed 9007319.